The following is an entry in ClinVar:

ClinVar aggregate classification (germline): Uncertain significance (1 of 4 stars; one submission).

Conditions:
Very long chain acyl-CoA dehydrogenase deficiency (ACADVLD). Also called: VLCAD Deficiency; Very Long-Chain Acyl-Coenzyme A Dehydrogenase Deficiency. Identifiers: Orphanet 26793, MedGen C3887523, MONDO:0008723, OMIM 201475.

Allele frequency attached by ClinVar (database versions not stated): TOPMed 0.00001.

Submission:

Labcorp Genetics (formerly Invitae), Labcorp
Classification: Uncertain significance for Very long chain acyl-CoA dehydrogenase deficiency. Last evaluated: 2021-11-03. Review status: criteria provided, single submitter. Criteria: Invitae Variant Classification Sherloc (09022015). Collection method: clinical testing. Allele origin: germline.
Comment: This sequence change replaces glutamine, which is neutral and polar, with arginine, which is basic and polar, at codon 100 of the ACADVL protein (p.Gln100Arg). This variant is not present in population databases (gnomAD no frequency). This variant has not been reported in the literature in individuals affected with ACADVL-related conditions. Algorithms developed to predict the effect of missense changes on protein structure and function are either unavailable or do not agree on the potential impact of this missense change (SIFT: "Deleterious"; PolyPhen-2: "Benign"; Align-GVGD: "Class C0"). In summary, the available evidence is currently insufficient to determine the role of this variant in disease. Therefore, it has been classified as a Variant of Uncertain Significance.

NM_000018.4(ACADVL):c.299A>G (p.Gln100Arg)

Gene: ACADVL (acyl-CoA dehydrogenase very long chain; plus strand). Cytogenetic location: 17p13.1.
Variant type: single nucleotide variant.
Coding change: c.299A>G on transcript NM_000018.4 (MANE Select); coding-DNA position 299, A replaced by G.
Protein change: p.Gln100Arg; replaces glutamine 100 with arginine.
Molecular consequence: missense variant.
Genome position (GRCh38, 1-based): chr17:7,220,787, A>G. VCF-style: chr17-7220787-A-G. GRCh37 (hg19) VCF-style: chr17-7124106-A-G.
Other names: c.233A>G, p.Gln78Arg (NM_001033859.3); c.368A>G, p.Gln123Arg (NM_001270447.2); c.71A>G, p.Gln24Arg (NM_001270448.2); short protein forms Q78R, Q100R, Q24R, Q123R.
Identifiers: ClinVar variation 1417587 (VCV001417587.3), dbSNP rs774141572, ClinGen allele CA397722533.